The following is an entry in ClinVar:

ClinVar aggregate classification (germline): Uncertain significance (1 of 4 stars; one submission).

Conditions:
Pheochromocytoma. Also called: MAX-Related Hereditary Paraganglioma-Pheochromocytoma Syndrome. Identifiers: Orphanet 29072, MedGen C0031511, MONDO:0008233, OMIM 171300, HP:0002666.
Gastrointestinal stromal tumor. Also called: Gastrointestinal stroma tumor; Gastrointestinal stromal tumor, somatic. Identifiers: Orphanet 44890, MedGen C0238198, MeSH D046152, MONDO:0011719, OMIM 606764, HP:0100723.
Pheochromocytoma/paraganglioma syndrome 4. Also called: CAROTID BODY TUMORS AND MULTIPLE EXTRAADRENAL PHEOCHROMOCYTOMAS; PARAGANGLIOMA, FAMILIAL MALIGNANT; PARAGANGLIOMAS, HEREDITARY EXTRAADRENAL; PHEOCHROMOCYTOMA, FAMILIAL EXTRAADRENAL; Paragangliomas 4; SDHB-Related Hereditary Paraganglioma-Pheochromocytoma Syndrome (Paragangliomas 4). Identifiers: Orphanet 29072, MedGen C1861848, MONDO:0007273, OMIM 115310.

Submission:

Labcorp Genetics (formerly Invitae), Labcorp
Classification: Uncertain significance for Gastrointestinal stromal tumor; Pheochromocytoma/paraganglioma syndrome 4; Pheochromocytoma. Last evaluated: 2022-11-10. Review status: criteria provided, single submitter. Criteria: Invitae Variant Classification Sherloc (09022015). Collection method: clinical testing. Allele origin: germline.
Comment: In summary, the available evidence is currently insufficient to determine the role of this variant in disease. Therefore, it has been classified as a Variant of Uncertain Significance. This variant disrupts a region of the SDHB protein in which other variant(s) (p.Gln149His) have been observed in individuals with SDHB-related conditions (PMID: 30877234). This suggests that this is a clinically significant region of the protein, and that variants that disrupt it are likely to be disease-causing. A similar copy number variant has been observed in individual(s) with SDHB-related conditions (PMID: 19351833; Invitae). This variant is a gross deletion of the genomic region encompassing exon(s) 5 of the SDHB gene. This variant would be expected to be in-frame, preserving the integrity of the reading frame.

Literature cited by the submitters: PubMed 30877234; PubMed 19351833.

NC_000001.10:g.(?_17354234)_(17354370_?)del

Gene: SDHB (succinate dehydrogenase complex iron sulfur subunit B; minus strand). Cytogenetic location: 1p36.13.
Variant type: Deletion.
Identifiers: ClinVar variation 2424594 (VCV002424594.12).